The following is an entry in ClinVar:

ClinVar aggregate classification (germline): Likely benign (1 of 4 stars; one submission).

gnomAD v4.1: 80 of 1,612,326 alleles (0.005%); highest among the groups gnomAD compares: Non-Finnish European, 0.0063%; no homozygotes.

Submission:

CeGaT Center for Human Genetics Tuebingen
Classification: Likely benign. Last evaluated: 2025-02-01. Review status: criteria provided, single submitter. Criteria: CeGaT Center For Human Genetics Tuebingen Variant Classification Criteria Version 2. Collection method: clinical testing. Allele origin: germline. Affected: yes. Observed: 1 variant allele.
Comment: GLI2: BP4, BP7

NM_001374353.1(GLI2):c.801G>C (p.Ser267=)

Gene: GLI2 (GLI family zinc finger 2; plus strand). Cytogenetic location: 2q14.2.
Variant type: single nucleotide variant.
Coding change: c.801G>C on transcript NM_001374353.1 (MANE Select); coding-DNA position 801, G replaced by C.
Protein change: p.Ser267=; no amino-acid change (serine 267 retained).
Molecular consequence: synonymous variant.
Genome position (GRCh38, 1-based): chr2:120,968,871, G>C. VCF-style: chr2-120968871-G-C. GRCh37 (hg19) VCF-style: chr2-121726447-G-C.
Other names: c.801G>C, p.Ser267= (NM_001371271.1, NM_005270.5); c.426G>C, p.Ser142= (NM_001374354.1).
Identifiers: ClinVar variation 3771132 (VCV003771132.13).